The following is an entry in ClinVar:

ClinVar aggregate classification (germline): Uncertain significance (1 of 4 stars; one submission).

Allele frequency attached by ClinVar (database versions not stated): gnomAD 0.00001; TOPMed 0.00001; 1000 Genomes Project 0.00020; 1000 Genomes Project 30x 0.00031.

Submission:

GeneDx
Classification: Uncertain significance. Last evaluated: 2023-02-28. Review status: criteria provided, single submitter. Criteria: GeneDx Variant Classification Process June 2021. Collection method: clinical testing. Allele origin: germline. Affected: yes.
Comment: Not observed at significant frequency in large population cohorts (gnomAD); In silico analysis supports that this missense variant does not alter protein structure/function; Has not been previously published as pathogenic or benign to our knowledge

NM_020117.11(LARS1):c.3061A>C (p.Met1021Leu)

Gene: LARS1 (leucyl-tRNA synthetase 1; minus strand). Cytogenetic location: 5q32.
Variant type: single nucleotide variant.
Coding change: c.3061A>C on transcript NM_020117.11 (MANE Select); coding-DNA position 3061, A replaced by C.
Protein change: p.Met1021Leu; replaces methionine 1021 with leucine.
Molecular consequence: missense variant.
Genome position (GRCh38, 1-based): chr5:146,124,017, T>G on the plus strand (A>C on the coding strand, the complement: LARS1 is on the minus strand). VCF-style: chr5-146124017-T-G. GRCh37 (hg19) VCF-style: chr5-145503580-T-G.
Other names: c.2923A>C, p.Met975Leu (NM_001317964.2); c.2899A>C, p.Met967Leu (NM_001317965.2); c.2980A>C, p.Met994Leu (NM_016460.4); short protein forms M1021L, M967L, M975L, M994L.
Identifiers: ClinVar variation 2578255 (VCV002578255.1), dbSNP rs545449776, ClinGen allele CA128889208.